The following is an entry in ClinVar:

NM_004475.3(FLOT2):c.224T>G (p.Val75Gly)

Gene: FLOT2 (flotillin 2; minus strand). Cytogenetic location: 17q11.2.
Variant type: single nucleotide variant.
Coding change: c.224T>G on transcript NM_004475.3 (MANE Select); coding-DNA position 224, T replaced by G.
Protein change: p.Val75Gly; replaces valine 75 with glycine.
Molecular consequence: missense variant.
Genome position (GRCh38, 1-based): chr17:28,883,230, A>C on the plus strand (T>G on the coding strand, the complement: FLOT2 is on the minus strand). VCF-style: chr17-28883230-A-C. GRCh37 (hg19) VCF-style: chr17-27210248-A-C.
Other names: c.224T>G, p.Val75Gly (NM_001330170.2); short protein forms V75G.
Identifiers: ClinVar variation 2647603 (VCV002647603.24), dbSNP rs200747375, ClinGen allele CA8469220.

ClinVar aggregate classification (germline): Benign (1 of 4 stars; one submission).

Allele frequency attached by ClinVar (database versions not stated): ExAC 0.01804.

Submission:

CeGaT Center for Human Genetics Tuebingen
Classification: Benign. Last evaluated: 2022-12-01. Review status: criteria provided, single submitter. Criteria: CeGaT Center For Human Genetics Tuebingen Variant Classification Criteria Version 2. Collection method: clinical testing. Allele origin: germline. Affected: yes. Observed: 1 variant allele.
Comment: FLOT2: PP3, BS1, BS2